The following is an entry in ClinVar:

NM_001267550.2(TTN):c.66702C>T (p.Ala22234=)

Genes: TTN (titin; minus strand), TTN-AS1 (TTN antisense RNA 1; plus strand). Cytogenetic location: 2q31.2.
Variant type: single nucleotide variant.
Coding change: c.66702C>T on transcript NM_001267550.2 (MANE Select); coding-DNA position 66702, C replaced by T.
Protein change: p.Ala22234=; no amino-acid change (alanine 22234 retained).
Molecular consequence: synonymous variant.
Genome position (GRCh38, 1-based): chr2:178,581,566, G>A on the plus strand (C>T on the coding strand, the complement: TTN is on the minus strand). VCF-style: chr2-178581566-G-A. GRCh37 (hg19) VCF-style: chr2-179446293-G-A.
Other names: c.61779C>T, p.Ala20593= (NM_001256850.1); c.58998C>T, p.Ala19666= (NM_133378.4); c.39507C>T, p.Ala13169= (NM_003319.4); c.39882C>T, p.Ala13294= (NM_133432.3); c.40083C>T, p.Ala13361= (NM_133437.4); c.66702C>T (NM_001267550.1).
Identifiers: ClinVar variation 47241 (VCV000047241.55), dbSNP rs371802557, ClinGen allele CA140423.

ClinVar aggregate classification (germline): Benign/Likely benign. Review status: criteria provided, multiple submitters, no conflicts (2 of 4 stars). 10 submissions from 10 submitters: Benign (6); Likely benign (3). 1 of the submissions does not count toward it. Last evaluated 2026-07-01.

Conditions:
TTN-related disorder. Also called: TTN-related disorders; TTN-related condition; TTN-related disease.
Cardiovascular phenotype. Identifiers: MedGen CN230736.
Autosomal recessive limb-girdle muscular dystrophy type 2J (LGMDR10). Also called: MUSCULAR DYSTROPHY, LIMB-GIRDLE, AUTOSOMAL RECESSIVE 10; Limb-girdle muscular dystrophy, type 2J. Identifiers: Orphanet 140922, MedGen C1837342, MONDO:0012127, OMIM 608807.
Dilated cardiomyopathy 1G (CMD1G). Identifiers: Orphanet 154, MedGen C1858763, MONDO:0011400, OMIM 604145.
Cardiomyopathy (CMYO). Also called: Cardiomyopathies. Identifiers: Orphanet 167848, MedGen C0878544, MONDO:0004994, HP:0001638. Inheritance: Various modes of inheritance.

Allele frequency attached by ClinVar (database versions not stated): TOPMed 0.00014; 1000 Genomes Project 30x 0.00016; ESP Exome Variant Server 0.00008; 1000 Genomes Project 0.00020; gnomAD 0.00134.
gnomAD v4.1: 1,251 of 1,612,350 alleles (0.078%); highest among the groups gnomAD compares: South Asian, 0.047%; 8 homozygotes.

Submissions (10):

CeGaT Center for Human Genetics Tuebingen
Classification: Likely benign. Last evaluated: 2026-07-01. Review status: criteria provided, single submitter. Criteria: CeGaT Center For Human Genetics Tuebingen Variant Classification Criteria Version 2. Collection method: clinical testing. Allele origin: germline. Affected: yes. Observed: 4 variant alleles.
Comment: TTN: BP4, BP7

Labcorp Genetics (formerly Invitae), Labcorp
Classification: Benign for Dilated cardiomyopathy 1G; Autosomal recessive limb-girdle muscular dystrophy type 2J. Last evaluated: 2026-01-11. Review status: criteria provided, single submitter. Criteria: Invitae Variant Classification Sherloc (09022015). Collection method: clinical testing. Allele origin: germline.

Blueprint Genetics
Classification: Likely benign. Last evaluated: 2024-11-21. Review status: criteria provided, single submitter. Criteria: ACMG Guidelines, 2015. Collection method: clinical testing. Allele origin: germline.

Athena Diagnostics
Classification: Benign. Last evaluated: 2024-03-20. Review status: criteria provided, single submitter. Criteria: Athena Diagnostics Criteria. Collection method: clinical testing. Allele origin: unknown.

CHEO Genetics Diagnostic Laboratory, Children's Hospital of Eastern Ontario
Classification: Benign for Cardiomyopathy. Last evaluated: 2021-07-16. Review status: criteria provided, single submitter. Criteria: ACMG Guidelines, 2015. Collection method: clinical testing. Allele origin: germline.

Ambry Genetics
Classification: Benign for Cardiovascular phenotype. Last evaluated: 2018-09-24. Review status: criteria provided, single submitter. Criteria: Ambry Variant Classification Scheme 2023. Collection method: clinical testing. Allele origin: germline.

GeneDx
Classification: Benign. Last evaluated: 2016-12-07. Review status: criteria provided, single submitter. Criteria: GeneDx Variant Classification (06012015). Collection method: clinical testing. Allele origin: germline. Affected: yes.
Comment: This variant is considered likely benign or benign based on one or more of the following criteria: it is a conservative change, it occurs at a poorly conserved position in the protein, it is predicted to be benign by multiple in silico algorithms, and/or has population frequency not consistent with disease.

Eurofins Ntd Llc (ga)
Classification: Benign. Last evaluated: 2015-04-01. Review status: criteria provided, single submitter. Criteria: EGL Classification Definitions 2015. Collection method: clinical testing. Allele origin: germline. Observed: 1 variant allele, 1 heterozygote.

Laboratory for Molecular Medicine, Mass General Brigham Personalized Medicine
Classification: Likely benign. Last evaluated: 2012-03-19. Review status: criteria provided, single submitter. Criteria: LMM Criteria. Collection method: clinical testing. Allele origin: germline. Observed: 1 variant allele.
Comment: Ala19666Ala in exon 265 of TTN: This variant is not expected to have clinical si gnificance because it does not alter an amino acid residue and is not located wi thin the splice consensus sequence. It has been identified in 1/6694 European Am erican chromosomes from a broad population by the NHLBI Exome Sequencing Project. Ala19666Ala in exon 265 of TTN (allele fre quency = 1/6694) **

PreventionGenetics, part of Exact Sciences
Classification: Likely benign for TTN-related condition. Last evaluated: 2024-08-21. Review status: no assertion criteria provided. Collection method: clinical testing. Allele origin: germline. Not counted in ClinVar's aggregate classification.
Comment: This variant is classified as likely benign based on ACMG/AMP sequence variant interpretation guidelines (Richards et al. 2015 PMID: 25741868, with internal and published modifications).